The following is an entry in ClinVar:

ClinVar aggregate classification (germline): Uncertain significance (1 of 4 stars; one submission).

gnomAD v4.1: 2 of 1,610,144 alleles (0.00012%); highest among the groups gnomAD compares: South Asian, 0.0022%; no homozygotes.

Submission:

CeGaT Center for Human Genetics Tuebingen
Classification: Uncertain significance. Last evaluated: 2024-07-01. Review status: criteria provided, single submitter. Criteria: CeGaT Center For Human Genetics Tuebingen Variant Classification Criteria Version 2. Collection method: clinical testing. Allele origin: germline. Affected: yes. Observed: 1 variant allele.
Comment: CRBN: PM2, BP4

NM_016302.4(CRBN):c.84A>T (p.Glu28Asp)

Gene: CRBN (cereblon; minus strand). Cytogenetic location: 3p26.2.
Variant type: single nucleotide variant.
Coding change: c.84A>T on transcript NM_016302.4 (MANE Select); coding-DNA position 84, A replaced by T.
Protein change: p.Glu28Asp; replaces glutamic acid 28 with aspartic acid.
Molecular consequence: missense variant.
Genome position (GRCh38, 1-based): chr3:3,175,253, T>A on the plus strand (A>T on the coding strand, the complement: CRBN is on the minus strand). VCF-style: chr3-3175253-T-A. GRCh37 (hg19) VCF-style: chr3-3216937-T-A.
Other names: c.81A>T, p.Glu27Asp (NM_001173482.1); short protein forms E27D, E28D.
Identifiers: ClinVar variation 3257017 (VCV003257017.17).